The following is an entry in ClinVar:

ClinVar aggregate classification (germline): Likely pathogenic (1 of 4 stars; one submission).

Conditions:
Cardiovascular phenotype. Identifiers: MedGen CN230736.

Submission:

Ambry Genetics
Classification: Likely pathogenic for Cardiovascular phenotype. Last evaluated: 2019-05-22. Review status: criteria provided, single submitter. Criteria: Ambry Variant Classification Scheme 2023. Collection method: clinical testing. Allele origin: germline.
Comment: The p.E21809* variant (also known as c.65425G>T), located in coding exon 166 of the TTN gene, results from a G to T substitution at nucleotide position 65425. This changes the amino acid from a glutamic acid to a stop codon within coding exon 166. This exon is located in the A-band region of the N2-B isoform of the titin protein and is constitutively expressed in TTN transcripts (percent spliced in or PSI 100%). This alteration is expected to result in loss of function by premature protein truncation or nonsense-mediated mRNA decay. While truncating variants in TTN are present in 1-3% of the general population, truncating variants in the A-band are the most common cause of dilated cardiomyopathy (DCM) (Herman DS et al. N. Engl. J. Med., 2012 Feb;366:619-28; Roberts AM et al. Sci Transl Med, 2015 Jan;7:270ra6). TTN truncating variants encoded in constitutive exons (PSI >90%) have been found to be significantly associated with DCM regardless of their position in titin (Schafer S et al. Nat. Genet., 2017 01;49:46-53). As such, this alteration is classified as likely pathogenic.

NM_001267550.2(TTN):c.92620G>T (p.Glu30874Ter)

Genes: TTN (titin; minus strand), TTN-AS1 (TTN antisense RNA 1; plus strand). Cytogenetic location: 2q31.2.
Variant type: single nucleotide variant.
Coding change: c.92620G>T on transcript NM_001267550.2 (MANE Select); coding-DNA position 92620, G replaced by T.
Protein change: p.Glu30874Ter; replaces glutamic acid 30874 with a stop codon.
Molecular consequence: nonsense.
Genome position (GRCh38, 1-based): chr2:178,549,006, C>A on the plus strand (G>T on the coding strand, the complement: TTN is on the minus strand). VCF-style: chr2-178549006-C-A. GRCh37 (hg19) VCF-style: chr2-179413733-C-A.
Other names: c.87697G>T, p.Glu29233Ter (NM_001256850.1); c.65425G>T, p.Glu21809Ter (NM_003319.4); c.84916G>T, p.Glu28306Ter (NM_133378.4); c.65800G>T, p.Glu21934Ter (NM_133432.3); c.66001G>T, p.Glu22001Ter (NM_133437.4); short protein forms E30874*, E21934*, E22001*, E21809*, E28306*, E29233*.
Identifiers: ClinVar variation 1754119 (VCV001754119.2), dbSNP rs2469149367, ClinGen allele CA349492358.